The following is an entry in ClinVar:

ClinVar aggregate classification (germline): Uncertain significance (1 of 4 stars; one submission).

Submission:

Labcorp Genetics (formerly Invitae), Labcorp
Classification: Uncertain significance. Last evaluated: 2022-09-27. Review status: criteria provided, single submitter. Criteria: Invitae Variant Classification Sherloc (09022015). Collection method: clinical testing. Allele origin: germline.
Comment: This variant has not been reported in the literature in individuals affected with COL18A1-related conditions. ClinVar contains an entry for this variant (Variation ID: 1495270). Experimental studies and prediction algorithms are not available or were not evaluated, and the functional significance of this variant is currently unknown. In summary, the available evidence is currently insufficient to determine the role of this variant in disease. Therefore, it has been classified as a Variant of Uncertain Significance. This variant is not present in population databases (gnomAD no frequency). This sequence change replaces asparagine, which is neutral and polar, with isoleucine, which is neutral and non-polar, at codon 1279 of the COL18A1 protein (p.Asn1279Ile).

NM_001379500.1(COL18A1):c.3845A>T (p.Asn1282Ile)

Genes: COL18A1 (collagen type XVIII alpha 1 chain; plus strand), SLC19A1 (solute carrier family 19 member 1; minus strand). Cytogenetic location: 21q22.3.
Variant type: single nucleotide variant.
Coding change: c.3845A>T on transcript NM_001379500.1 (MANE Select); coding-DNA position 3845, A replaced by T.
Protein change: p.Asn1282Ile; replaces asparagine 1282 with isoleucine.
Molecular consequence: missense variant.
Genome position (GRCh38, 1-based): chr21:45,512,223, A>T. VCF-style: chr21-45512223-A-T. GRCh37 (hg19) VCF-style: chr21-46932137-A-T.
Other names: c.4376A>T, p.Asn1459Ile (NM_030582.4); c.5081A>T, p.Asn1694Ile (NM_130444.3); short protein forms N1282I, N1694I, N1459I.
Identifiers: ClinVar variation 1495270 (VCV001495270.6), dbSNP rs754036577, ClinGen allele CA410502170.